The following is an entry in ClinVar:

NM_000088.4(COL1A1):c.510del (p.Lys170fs)

Gene: COL1A1 (collagen type I alpha 1 chain; minus strand). Cytogenetic location: 17q21.33.
Variant type: Deletion.
Coding change: c.510del on transcript NM_000088.4 (MANE Select); coding-DNA position 510, one base deleted (A; older notation c.510delA).
Protein change: p.Lys170fs; shifts the reading frame from lysine 170.
Molecular consequence: frameshift variant.
Genome position (GRCh38, 1-based): chr17:50,198,466, T deleted on the plus strand (A on the coding strand, the reverse complement: COL1A1 is on the minus strand); the first of 3 consecutive T bases (chr17:50,198,466-50,198,468); deleting any one gives the same sequence. VCF-style (leftmost placement, unchanged base first): chr17-50198465-AT-A. GRCh37 (hg19) VCF-style: chr17-48275826-AT-A.
Other names: short protein forms K170fs.
Identifiers: ClinVar variation 934859 (VCV000934859.8), dbSNP rs1907793241, ClinGen allele CA1139665714.

ClinVar aggregate classification (germline): Pathogenic (1 of 4 stars; one submission).

Conditions:
Osteogenesis imperfecta type I (OI1). Also called: Lobstein disease; Osteogenesis imperfecta type 1; OI, TYPE I; OSTEOGENESIS IMPERFECTA TARDA; OSTEOGENESIS IMPERFECTA WITH BLUE SCLERAE; Lobstein's Disease. Identifiers: Orphanet 216796, Orphanet 666, MedGen C0023931, MONDO:0008146, OMIM 166200. Disease mechanism: loss of function.

Submission:

Labcorp Genetics (formerly Invitae), Labcorp
Classification: Pathogenic for Osteogenesis imperfecta type I. Last evaluated: 2019-05-29. Review status: criteria provided, single submitter. Criteria: Invitae Variant Classification Sherloc (09022015). Collection method: clinical testing. Allele origin: germline.
Comment: Loss-of-function variants in COL1A1 are known to be pathogenic (PMID: 7942841, 9295084, 9443882). This sequence change creates a premature translational stop signal (p.Lys170Asnfs*95) in the COL1A1 gene. It is expected to result in an absent or disrupted protein product. This variant is not present in population databases (ExAC no frequency). This variant has not been reported in the literature in individuals with COL1A1-related conditions. For these reasons, this variant has been classified as Pathogenic.

Literature cited by the submitters: PubMed 7942841; PubMed 9295084; PubMed 9443882.